The following is an entry in ClinVar:

NM_000160.5(GCGR):c.307G>A (p.Asp103Asn)

Gene: GCGR (glucagon receptor; plus strand). Cytogenetic location: 17q25.3.
Variant type: single nucleotide variant.
Coding change: c.307G>A on transcript NM_000160.5 (MANE Select); coding-DNA position 307, G replaced by A.
Protein change: p.Asp103Asn; replaces aspartic acid 103 with asparagine.
Molecular consequence: missense variant.
Genome position (GRCh38, 1-based): chr17:81,811,045, G>A. VCF-style: chr17-81811045-G-A. GRCh37 (hg19) VCF-style: chr17-79768921-G-A.
Other names: short protein forms D103N.
Identifiers: ClinVar variation 1449066 (VCV001449066.8), dbSNP rs779580966, ClinGen allele CA8842045.

ClinVar aggregate classification (germline): Uncertain significance (1 of 4 stars; one submission).

Allele frequency attached by ClinVar (database versions not stated): ExAC 0.00006; gnomAD exomes 0.00009; 1000 Genomes Project 30x 0.00016.
gnomAD v4.1: 243 of 1,536,206 alleles (0.016%); highest among the groups gnomAD compares: African/African-American, 0.023%; no homozygotes.

Submission:

Labcorp Genetics (formerly Invitae), Labcorp
Classification: Uncertain significance. Last evaluated: 2025-04-14. Review status: criteria provided, single submitter. Criteria: Invitae Variant Classification Sherloc (09022015). Collection method: clinical testing. Allele origin: germline.
Comment: This sequence change replaces aspartic acid, which is acidic and polar, with asparagine, which is neutral and polar, at codon 103 of the GCGR protein (p.Asp103Asn). This variant is present in population databases (rs779580966, gnomAD 0.03%). This variant has not been reported in the literature in individuals affected with GCGR-related conditions. ClinVar contains an entry for this variant (Variation ID: 1449066). An algorithm developed to predict the effect of missense changes on protein structure and function outputs the following: PolyPhen-2: "Benign". The asparagine amino acid residue is found in multiple mammalian species, which suggests that this missense change does not adversely affect protein function. In summary, the available evidence is currently insufficient to determine the role of this variant in disease. Therefore, it has been classified as a Variant of Uncertain Significance.